The following is an entry in ClinVar:

ClinVar aggregate classification (germline): Uncertain significance (1 of 4 stars; one submission).

Conditions:
Hereditary cancer-predisposing syndrome. Also called: Neoplastic Syndromes, Hereditary; Tumor predisposition; Hereditary Cancer Syndrome; Hereditary neoplastic syndrome. Identifiers: Orphanet 140162, MedGen C0027672, MeSH D009386, MONDO:0015356.

Submission:

Ambry Genetics
Classification: Uncertain significance for Hereditary cancer-predisposing syndrome. Last evaluated: 2026-04-08. Review status: criteria provided, single submitter. Criteria: Ambry Variant Classification Scheme 2023. Collection method: clinical testing. Allele origin: germline.
Comment: The p.V390F variant (also known as c.1168G>T), located in coding exon 8 of the CTNNA1 gene, results from a G to T substitution at nucleotide position 1168. The valine at codon 390 is replaced by phenylalanine, an amino acid with highly similar properties. This amino acid position is well conserved in available vertebrate species. In addition, this alteration is predicted to be deleterious by in silico analysis. Based on the available evidence, the clinical significance of this variant remains unclear.

NM_001903.5(CTNNA1):c.1168G>T (p.Val390Phe)

Gene: CTNNA1 (catenin alpha 1; plus strand). Cytogenetic location: 5q31.2.
Variant type: single nucleotide variant.
Coding change: c.1168G>T on transcript NM_001903.5 (MANE Select); coding-DNA position 1168, G replaced by T.
Protein change: p.Val390Phe; replaces valine 390 with phenylalanine.
Molecular consequence: missense variant. On other transcripts: 5 prime UTR variant (5), intron variant (2).
Genome position (GRCh38, 1-based): chr5:138,887,514, G>T. VCF-style: chr5-138887514-G-T. GRCh37 (hg19) VCF-style: chr5-138223203-G-T.
Other names: c.1168G>T, p.Val390Phe (NM_001290307.3, NM_001323982.2, NM_001323983.1 and 3 more transcripts); c.859G>T, p.Val287Phe (NM_001290309.3); c.799G>T, p.Val267Phe (NM_001290310.3); c.58G>T, p.Val20Phe (NM_001290312.1, NM_001323987.1, NM_001323988.1 and 18 more transcripts); c.-340G>T (NM_001324006.1, NM_001324007.1, NM_001324008.1 and 1 more transcripts); c.-215G>T (NM_001324013.1); c.-58+11917G>T (NM_001324012.1); c.-61+11917G>T (NM_001324010.1); short protein forms V20F, V267F, V287F, V390F.
Identifiers: ClinVar variation 4869469 (VCV004869469.1).